The following is an entry in ClinVar:

NM_000051.4(ATM):c.5082A>G (p.Ala1694=)

Gene: ATM (ATM serine/threonine kinase; plus strand). Cytogenetic location: 11q22.3.
Variant type: single nucleotide variant.
Coding change: c.5082A>G on transcript NM_000051.4 (MANE Select); coding-DNA position 5082, A replaced by G.
Protein change: p.Ala1694=; no amino-acid change (alanine 1694 retained).
Molecular consequence: synonymous variant.
Genome position (GRCh38, 1-based): chr11:108,299,790, A>G. VCF-style: chr11-108299790-A-G. GRCh37 (hg19) VCF-style: chr11-108170517-A-G.
Other names: p.Ala1694=; c.5082A>G, p.Ala1694= (NM_001351834.2).
Identifiers: ClinVar variation 524476 (VCV000524476.14), dbSNP rs778014234, ClinGen allele CA6265628.

ClinVar aggregate classification (germline): Benign/Likely benign. Review status: criteria provided, multiple submitters, no conflicts (2 of 4 stars). 5 submissions from 5 submitters: Benign (1); Likely benign (4). Last evaluated 2025-10-08.

Conditions:
Hereditary cancer-predisposing syndrome. Also called: Neoplastic Syndromes, Hereditary; Tumor predisposition; Hereditary Cancer Syndrome; Hereditary neoplastic syndrome. Identifiers: Orphanet 140162, MedGen C0027672, MeSH D009386, MONDO:0015356.
Ataxia-telangiectasia syndrome (AT). Also called: ATAXIA-TELANGIECTASIA, COMPLEMENTATION GROUP A; ATAXIA-TELANGIECTASIA, FRESNO VARIANT; Ataxia-telangiectasia; Ataxia-telangiectasia, complementation group D; AT, COMPLEMENTATION GROUP C; Ataxia-telangiectasia, complementation group E. Identifiers: Orphanet 100, MedGen C0004135, MONDO:0008840, OMIM 208900.
Familial cancer of breast. Also called: hereditary breast carcinoma; BREAST CANCER, FAMILIAL; Hereditary breast cancer. Identifiers: Orphanet 227535, MedGen C0346153, MONDO:0016419, OMIM 114480. Disease mechanism: loss of function.

Allele frequency attached by ClinVar (database versions not stated): gnomAD exomes below 0.00001 and 0.00001; TOPMed below 0.00001; ExAC 0.00001.
gnomAD v4.1: 4 of 1,614,080 alleles (0.00025%); highest among the groups gnomAD compares: Non-Finnish European, 0.00034%; no homozygotes.

Submissions (5):

Mayo Clinic Laboratories, Mayo Clinic
Classification: Likely benign. Last evaluated: 2025-10-08. Review status: criteria provided, single submitter. Criteria: ACMG Guidelines, 2015. Collection method: clinical testing. Allele origin: germline. Observed: 1 variant allele.
Comment: BP4, BP7

Labcorp Genetics (formerly Invitae), Labcorp
Classification: Likely benign for Ataxia-telangiectasia syndrome. Last evaluated: 2025-06-30. Review status: criteria provided, single submitter. Criteria: Invitae Variant Classification Sherloc (09022015). Collection method: clinical testing. Allele origin: germline.

Ambry Genetics
Classification: Likely benign for Hereditary cancer-predisposing syndrome. Last evaluated: 2024-08-17. Review status: criteria provided, single submitter. Criteria: Ambry Variant Classification Scheme 2023. Collection method: clinical testing. Allele origin: germline.

Myriad Genetics, Inc.
Classification: Benign for Familial cancer of breast. Last evaluated: 2024-05-22. Review status: criteria provided, single submitter. Criteria: Myriad Autosomal Dominant, Autosomal Recessive and X-Linked Classification Criteria (2023). Collection method: clinical testing. Allele origin: unknown.
Comment: This variant is considered benign. This variant is a silent/synonymous amino acid change and it is not expected to impact splicing.

GeneDx
Classification: Likely benign. Last evaluated: 2018-09-24. Review status: criteria provided, single submitter. Criteria: GeneDx Variant Classification Process June 2021. Collection method: clinical testing. Allele origin: germline. Affected: yes.